The following is an entry in ClinVar:

ClinVar aggregate classification (germline): Pathogenic (1 of 4 stars; one submission).

Submission:

Illumina Laboratory Services, Illumina
Classification: Pathogenic. Last evaluated: 2019-03-04. Review status: criteria provided, single submitter. Criteria: ICSL CNVClassificationCriteria Jul2020Prior. Collection method: clinical testing. Allele origin: unknown.
Comment: This CNV is a 10.6 Mb deletion of Xq27.1q28 on chromosome X, (seq[GRCh37]del(X)(q27.1q28); chrX:g.139484271_149442579del), and was found in a de novo state. This CNV constitutes a loss encompassing at least 30 genes. Across a selection of literature, similar CNVs have been reported in in at least eight individuals with de novo inheritance, including one male and seven females (Probst et al. 2007; Nagamani et al. 2012; Marshall et al. 2013; Roncato Pereira et al. 2014; Zink et al. 2014). A range of phenotypic symptoms with variable severity were identified in subjects and included, but were not limited to, developmental delay, delayed psychomotor skills, delayed speech and language, joint hyperextensibility, hypotonia, tonic-clonic seizures, deep set eyes, myopia, facial dysmorphia, macrocephaly, mildly upslanting palpebral fissures, prominent forehead, tapered fingers, severe constipation, lacking satiation, obesity, hand flapping, and fatiguing quickly. Although not published in the literature, smaller CNVs have been described in DECIPHER (Firth et al. 2009) with additional phenotypes including cryptorchidism, hypertelorism, short stature, epicanthus, expressive language delay, sleep disturbance, soft skin, and strabismus. X-inactivation analysis was performed on many of the probands and identified four with random and two with skewed inactivation (Probst et al. 2007; Nagamani et al. 2012; Marshall et al. 2013; Zink et al. 2014). Based on the collective evidence, this CNV is classified as pathogenic.

Literature cited by the submitters: PubMed 17506108; PubMed 19344873; PubMed 22890812; PubMed 23634718; PubMed 24715853; PubMed 25061755.

GRCh37/hg19 Xq27.1-28(chrX:139484271-149442579)x1

Genes: AFF2 (ALF transcription elongation factor 2; plus strand), CDR1 (cerebellar degeneration related 1; minus strand), CXorf51A (chromosome X open reading frame 51A; minus strand), CXorf51B (chromosome X open reading frame 51B; plus strand), EOLA1 (endothelium and lymphocyte associated ASCH domain 1; plus strand) and 34 more. Cytogenetic location: Xq27.1-28.
Variant type: copy number loss.
Change: copy number 1 of chrX:139,484,271-149,442,579 (9.96 Mb, GRCh37 coordinates, 1-based), cytogenetic band Xq27.1-28.
Identifiers: ClinVar variation 1180513 (VCV001180513.4).